The following is an entry in ClinVar:

ClinVar aggregate classification (germline): Uncertain significance. Review status: criteria provided, multiple submitters, no conflicts (2 of 4 stars). 2 submissions from 2 submitters: Uncertain significance (2). Last evaluated 2025-12-13.

Allele frequency attached by ClinVar (database versions not stated): gnomAD 0.00001; gnomAD exomes 0.00001; ExAC 0.00002; TOPMed 0.00002.
gnomAD v4.1: 18 of 1,613,914 alleles (0.0011%); highest among the groups gnomAD compares: Admixed American, 0.0067%; no homozygotes.

Submissions (2):

Labcorp Genetics (formerly Invitae), Labcorp
Classification: Uncertain significance. Last evaluated: 2025-12-13. Review status: criteria provided, single submitter. Criteria: Invitae Variant Classification Sherloc (09022015). Collection method: clinical testing. Allele origin: germline.
Comment: This sequence change replaces arginine, which is basic and polar, with tryptophan, which is neutral and slightly polar, at codon 1036 of the MICAL1 protein (p.Arg1036Trp). This variant is present in population databases (rs747238004, gnomAD 0.009%). This variant has not been reported in the literature in individuals affected with MICAL1-related conditions. ClinVar contains an entry for this variant (Variation ID: 2165538). An algorithm developed to predict the effect of missense changes on protein structure and function (PolyPhen-2) suggests that this variant is likely to be disruptive. In summary, the available evidence is currently insufficient to determine the role of this variant in disease. Therefore, it has been classified as a Variant of Uncertain Significance.

Ambry Genetics
Classification: Uncertain significance. Last evaluated: 2021-12-06. Review status: criteria provided, single submitter. Criteria: Ambry Variant Classification Scheme 2023. Collection method: clinical testing. Allele origin: germline.

NM_022765.4(MICAL1):c.3049C>T (p.Arg1017Trp)

Gene: MICAL1 (microtubule associated monooxygenase, calponin and LIM domain containing 1; minus strand). Cytogenetic location: 6q21.
Variant type: single nucleotide variant.
Coding change: c.3049C>T on transcript NM_022765.4 (MANE Select); coding-DNA position 3049, C replaced by T.
Protein change: p.Arg1017Trp; replaces arginine 1017 with tryptophan.
Molecular consequence: missense variant.
Genome position (GRCh38, 1-based): chr6:109,444,731, G>A on the plus strand (C>T on the coding strand, the complement: MICAL1 is on the minus strand). VCF-style: chr6-109444731-G-A. GRCh37 (hg19) VCF-style: chr6-109765934-G-A.
Other names: c.2791C>T, p.Arg931Trp (NM_001159291.2); c.3106C>T, p.Arg1036Trp (NM_001286613.2); c.3049C>T (NM_022765.3); short protein forms R1017W, R1036W, R931W.
Identifiers: ClinVar variation 2165538 (VCV002165538.5), dbSNP rs747238004, ClinGen allele CA3952666.